The following is an entry in ClinVar:

ClinVar aggregate classification (germline): Uncertain significance (1 of 4 stars; one submission).

Conditions:
3-methylcrotonyl-CoA carboxylase 1 deficiency (MCC1D). Also called: MCCD TYPE 1; METHYLCROTONYLGLYCINURIA TYPE I; MCC 1 deficiency; 3 Alpha methylcrotonylglycinuria 1. Identifiers: Orphanet 6, MedGen CN028786, MONDO:0008861, OMIM 210200.

Allele frequency attached by ClinVar (database versions not stated): gnomAD 0.00001; ExAC 0.00003; gnomAD exomes 0.00004; TOPMed 0.00005; ESP Exome Variant Server 0.00015.
gnomAD v4.1: 56 of 1,613,226 alleles (0.0035%); highest among the groups gnomAD compares: Non-Finnish European, 0.0045%; no homozygotes.

Submission:

Labcorp Genetics (formerly Invitae), Labcorp
Classification: Uncertain significance for 3-methylcrotonyl-CoA carboxylase 1 deficiency. Last evaluated: 2025-08-04. Review status: criteria provided, single submitter. Criteria: Invitae Variant Classification Sherloc (09022015). Collection method: clinical testing. Allele origin: germline.
Comment: This sequence change replaces alanine, which is neutral and non-polar, with valine, which is neutral and non-polar, at codon 122 of the MCCC1 protein (p.Ala122Val). This variant is present in population databases (rs200477404, gnomAD 0.006%). This variant has not been reported in the literature in individuals affected with MCCC1-related conditions. ClinVar contains an entry for this variant (Variation ID: 2202129). Invitae Evidence Modeling of protein sequence and biophysical properties (such as structural, functional, and spatial information, amino acid conservation, physicochemical variation, residue mobility, and thermodynamic stability) indicates that this missense variant is not expected to disrupt MCCC1 protein function with a negative predictive value of 80%. In summary, the available evidence is currently insufficient to determine the role of this variant in disease. Therefore, it has been classified as a Variant of Uncertain Significance.

NM_020166.5(MCCC1):c.365C>T (p.Ala122Val)

Gene: MCCC1 (methylcrotonyl-CoA carboxylase subunit 1; minus strand). Cytogenetic location: 3q27.1.
Variant type: single nucleotide variant.
Coding change: c.365C>T on transcript NM_020166.5 (MANE Select); coding-DNA position 365, C replaced by T.
Protein change: p.Ala122Val; replaces alanine 122 with valine.
Molecular consequence: missense variant. On other transcripts: non-coding transcript variant (1).
Genome position (GRCh38, 1-based): chr3:183,086,697, G>A on the plus strand (C>T on the coding strand, the complement: MCCC1 is on the minus strand). VCF-style: chr3-183086697-G-A. GRCh37 (hg19) VCF-style: chr3-182804485-G-A.
Other names: c.136C>T, p.His46Tyr (NM_001293273.2); c.38C>T, p.Ala13Val (NM_001363880.1); short protein forms A13V, A122V, H46Y.
Identifiers: ClinVar variation 2202129 (VCV002202129.2), dbSNP rs200477404, ClinGen allele CA2719100.